The following is an entry in ClinVar:

NM_000426.4(LAMA2):c.8548-2A>G

Gene: LAMA2 (laminin subunit alpha 2; plus strand). Cytogenetic location: 6q22.33.
Variant type: single nucleotide variant.
Coding change: c.8548-2A>G on transcript NM_000426.4 (MANE Select); the canonical splice acceptor site of the intron before coding-DNA position 8548, A replaced by G.
Molecular consequence: splice acceptor variant.
Genome position (GRCh38, 1-based): chr6:129,505,198, A>G. VCF-style: chr6-129505198-A-G. GRCh37 (hg19) VCF-style: chr6-129826343-A-G.
Other names: c.8536-2A>G (NM_001079823.2).
Identifiers: ClinVar variation 557163 (VCV000557163.3), dbSNP rs369224209, ClinGen allele CA146924629.

ClinVar aggregate classification (germline): Likely pathogenic. Review status: criteria provided, single submitter (1 of 4 stars). 2 submissions from 2 submitters: Likely pathogenic (1). 1 of the submissions does not count toward it. Last evaluated 2020-09-10.

Conditions:
Merosin deficient congenital muscular dystrophy (MDC1A). Also called: Congenital merosin-deficient muscular dystrophy 1A; Congenital Muscular Dystrophy Type 1A (MDC1A). Identifiers: Orphanet 258, MedGen C1263858, MONDO:0011925, OMIM 607855.

Allele frequency attached by ClinVar (database versions not stated): TOPMed below 0.00001; gnomAD exomes 0.00001; ESP Exome Variant Server 0.00008.
gnomAD v4.1: 3 of 1,613,214 alleles (0.00019%); highest among the groups gnomAD compares: African/African-American, 0.0013%; no homozygotes.

Submissions (2):

Baylor Genetics
Classification: Likely pathogenic for Merosin deficient congenital muscular dystrophy. Last evaluated: 2020-09-10. Review status: criteria provided, single submitter. Criteria: ACMG Guidelines, 2015. Collection method: clinical testing. Allele origin: unknown. Affected: yes.
Comment: This variant was determined to be likely pathogenic according to ACMG Guidelines, 2015 [PMID:25741868].

Counsyl
Classification: Likely pathogenic for Merosin deficient congenital muscular dystrophy. Last evaluated: 2018-03-05. Review status: no assertion criteria provided. Collection method: clinical testing. Allele origin: unknown. Not counted in ClinVar's aggregate classification.